The following is an entry in ClinVar:

ClinVar aggregate classification (germline): Conflicting classifications of pathogenicity. Review status: criteria provided, conflicting classifications (1 of 4 stars). 2 submissions from 2 submitters: Likely pathogenic (1); Uncertain significance (1). Last evaluated 2025-03-26.

Conditions:
Retinitis pigmentosa 86. Identifiers: MedGen C5231428, MONDO:0032834, OMIM 618613.

Submissions (2):

First Genomix Gene Laboratory, Genetic Diagnostics Department
Classification: Likely pathogenic for Retinitis pigmentosa 86. Last evaluated: 2025-03-26. Review status: criteria provided, single submitter. Criteria: ACMG Guidelines, 2015. Collection method: clinical testing. Allele origin: germline. Inheritance: Autosomal recessive inheritance. Affected: no. Observed: 1 variant allele.

Labcorp Genetics (formerly Invitae), Labcorp
Classification: Uncertain significance. Last evaluated: 2024-12-04. Review status: criteria provided, single submitter. Criteria: Invitae Variant Classification Sherloc (09022015). Collection method: clinical testing. Allele origin: germline.
Comment: This sequence change creates a premature translational stop signal (p.Arg6Profs*70) in the KIAA1549 gene. It is expected to result in an absent or disrupted protein product. However, the current clinical and genetic evidence is not sufficient to establish whether loss-of-function variants in KIAA1549 cause disease. This variant is present in population databases (no rsID available, gnomAD 0.007%). This variant has not been reported in the literature in individuals affected with KIAA1549-related conditions. ClinVar contains an entry for this variant (Variation ID: 1413154). In summary, the available evidence is currently insufficient to determine the role of this variant in disease. Therefore, it has been classified as a Variant of Uncertain Significance.

NM_001164665.2(KIAA1549):c.17_35del (p.Arg6fs)

Gene: KIAA1549 (KIAA1549; minus strand). Cytogenetic location: 7q34.
Variant type: Deletion.
Coding change: c.17_35del on transcript NM_001164665.2 (MANE Select); coding-DNA positions 17 to 35, 19 bases deleted (GCCGACGCCGAGGCGCGGC).
Protein change: p.Arg6fs; shifts the reading frame from arginine 6.
Molecular consequence: frameshift variant.
Genome position (GRCh38, 1-based): chr7:138,981,235-138,981,253, GCCGCGCCTCGGCGTCGGC deleted on the plus strand (GCCGACGCCGAGGCGCGGC on the coding strand, the reverse complement: KIAA1549 is on the minus strand); deleting any 19 consecutive bases within chr7:138,981,235-138,981,261 gives the same sequence; the c. name uses the placement nearest the transcript's 3' end. VCF-style (leftmost placement, unchanged base first): chr7-138981234-GGCCGCGCCTCGGCGTCGGC-G. GRCh37 (hg19) VCF-style: chr7-138665980-GGCCGCGCCTCGGCGTCGGC-G.
Other names: c.17_35del, p.Arg6fs (NM_020910.3); short protein forms R6fs.
Identifiers: ClinVar variation 1413154 (VCV001413154.5), dbSNP rs1252714012, ClinGen allele CA578208986.